The following is an entry in ClinVar:

NM_001114122.3(CHEK1):c.467G>A (p.Arg156Gln)

Gene: CHEK1 (checkpoint kinase 1; plus strand). Cytogenetic location: 11q24.2.
Variant type: single nucleotide variant.
Coding change: c.467G>A on transcript NM_001114122.3 (MANE Select); coding-DNA position 467, G replaced by A.
Protein change: p.Arg156Gln; replaces arginine 156 with glutamine.
Molecular consequence: missense variant. On other transcripts: non-coding transcript variant (2).
Genome position (GRCh38, 1-based): chr11:125,633,205, G>A. VCF-style: chr11-125633205-G-A. GRCh37 (hg19) VCF-style: chr11-125503100-G-A.
Other names: c.467G>A, p.Arg156Gln (NM_001114121.2, NM_001244846.1, NM_001274.5); c.164G>A, p.Arg55Gln (NM_001330427.2); c.185G>A, p.Arg62Gln (NM_001330428.1); short protein forms R156Q, R55Q, R62Q.
Identifiers: ClinVar variation 2634160 (VCV002634160.2), dbSNP rs3731410, ClinGen allele CA6349427.

ClinVar aggregate classification (germline): Likely benign (1 of 4 stars; one submission).

Conditions:
CHEK1-related disorder. Also called: CHEK1-related condition.

Allele frequency attached by ClinVar (database versions not stated): gnomAD exomes 0.00005; ExAC 0.00015; 1000 Genomes Project 30x 0.00016; 1000 Genomes Project 0.00020; gnomAD 0.00046; TOPMed 0.00049; ESP Exome Variant Server 0.00077.
gnomAD v4.1: 143 of 1,600,234 alleles (0.0089%); highest among the groups gnomAD compares: African/African-American, 0.15%; 1 homozygote.

Submission:

PreventionGenetics, part of Exact Sciences
Classification: Likely benign for CHEK1-related condition. Last evaluated: 2024-12-10. Review status: criteria provided, single submitter. Criteria: ACMG Guidelines, 2015. Collection method: clinical testing. Allele origin: germline.
Comment: This variant is classified as likely benign based on ACMG/AMP sequence variant interpretation guidelines (Richards et al. 2015 PMID: 25741868, with internal and published modifications).